The following is an entry in ClinVar:

ClinVar aggregate classification (germline): Uncertain significance. Review status: criteria provided, multiple submitters, no conflicts (2 of 4 stars). 4 submissions from 4 submitters: Uncertain significance (4). Last evaluated 2025-05-28.

Conditions:
Hereditary cancer-predisposing syndrome. Also called: Tumor predisposition; Hereditary neoplastic syndrome; Neoplastic Syndromes, Hereditary; Hereditary Cancer Syndrome. Identifiers: Orphanet 140162, MedGen C0027672, MeSH D009386, MONDO:0015356.
Ataxia-telangiectasia syndrome (AT). Also called: Ataxia-telangiectasia, complementation group D; AT, COMPLEMENTATION GROUP C; ATAXIA-TELANGIECTASIA, COMPLEMENTATION GROUP A; ATAXIA-TELANGIECTASIA, FRESNO VARIANT; Ataxia-telangiectasia; LOUIS-BAR SYNDROME. Identifiers: Orphanet 100, MedGen C0004135, MONDO:0008840, OMIM 208900.

gnomAD v4.1: 1 of 1,614,108 alleles (0.000062%); highest among the groups gnomAD compares: Non-Finnish European, 0.000085%; no homozygotes.

Submissions (4):

Ambry Genetics
Classification: Uncertain significance for Hereditary cancer-predisposing syndrome. Last evaluated: 2025-05-28. Review status: criteria provided, single submitter. Criteria: Ambry Variant Classification Scheme 2023. Collection method: clinical testing. Allele origin: germline.
Comment: The p.Y2470F variant (also known as c.7409A>T), located in coding exon 49 of the ATM gene, results from an A to T substitution at nucleotide position 7409. The tyrosine at codon 2470 is replaced by phenylalanine, an amino acid with highly similar properties. This amino acid position is highly conserved in available vertebrate species. In addition, the in silico prediction for this alteration is inconclusive. Based on the available evidence, the clinical significance of this variant remains unclear.

Labcorp Genetics (formerly Invitae), Labcorp
Classification: Uncertain significance for Ataxia-telangiectasia syndrome. Last evaluated: 2024-12-04. Review status: criteria provided, single submitter. Criteria: Invitae Variant Classification Sherloc (09022015). Collection method: clinical testing. Allele origin: germline.
Comment: This sequence change replaces tyrosine, which is neutral and polar, with phenylalanine, which is neutral and non-polar, at codon 2470 of the ATM protein (p.Tyr2470Phe). This variant is not present in population databases (gnomAD no frequency). This variant has not been reported in the literature in individuals affected with ATM-related conditions. ClinVar contains an entry for this variant (Variation ID: 629943). Invitae Evidence Modeling of protein sequence and biophysical properties (such as structural, functional, and spatial information, amino acid conservation, physicochemical variation, residue mobility, and thermodynamic stability) has been performed for this missense variant. However, the output from this modeling did not meet the statistical confidence thresholds required to predict the impact of this variant on ATM protein function. This variant disrupts the p.Tyr2470 amino acid residue in ATM. Other variant(s) that disrupt this residue have been determined to be pathogenic (PMID: 9887333, 19691550, 21665257). This suggests that this residue is clinically significant, and that variants that disrupt this residue are likely to be disease-causing. In summary, the available evidence is currently insufficient to determine the role of this variant in disease. Therefore, it has been classified as a Variant of Uncertain Significance.

GeneDx
Classification: Uncertain significance. Last evaluated: 2020-12-24. Review status: criteria provided, single submitter. Criteria: GeneDx Variant Classification Process June 2021. Collection method: clinical testing. Allele origin: germline. Affected: yes.
Comment: Not observed in large population cohorts (Lek 2016); In silico analysis supports that this missense variant has a deleterious effect on protein structure/function; Has not been previously published as pathogenic or benign to our knowledge

Color Diagnostics, LLC DBA Color Health
Classification: Uncertain significance for Hereditary cancer-predisposing syndrome. Last evaluated: 2018-09-24. Review status: criteria provided, single submitter. Criteria: ACMG Guidelines, 2015. Collection method: clinical testing. Allele origin: germline.

Literature cited by the submitters: PubMed 9887333 (cited by Labcorp Genetics (formerly Invitae), Labcorp); PubMed 19691550 (cited by Labcorp Genetics (formerly Invitae), Labcorp); PubMed 21665257 (cited by Labcorp Genetics (formerly Invitae), Labcorp).

NM_000051.4(ATM):c.7409A>T (p.Tyr2470Phe)

Genes: C11orf65 (chromosome 11 open reading frame 65; minus strand), ATM (ATM serine/threonine kinase; plus strand). Cytogenetic location: 11q22.3.
Variant type: single nucleotide variant.
Coding change: c.7409A>T on transcript NM_000051.4 (MANE Select); coding-DNA position 7409, A replaced by T.
Protein change: p.Tyr2470Phe; replaces tyrosine 2470 with phenylalanine.
Molecular consequence: missense variant. On other transcripts: intron variant (2).
Genome position (GRCh38, 1-based): chr11:108,330,315, A>T. VCF-style: chr11-108330315-A-T. GRCh37 (hg19) VCF-style: chr11-108201042-A-T.
Other names: c.7409A>T, p.Tyr2470Phe (NM_001351834.2); c.641-21244T>A (NM_001330368.2); c.*38+4905T>A (NM_001351110.2); short protein forms Y2470F.
Identifiers: ClinVar variation 629943 (VCV000629943.17), dbSNP rs878853544, ClinGen allele CA382560148.